The following is an entry in ClinVar:

NM_003803.4(MYOM1):c.3158A>C (p.Asp1053Ala)

Gene: MYOM1 (myomesin 1; minus strand). Cytogenetic location: 18p11.31.
Variant type: single nucleotide variant.
Coding change: c.3158A>C on transcript NM_003803.4 (MANE Select); coding-DNA position 3158, A replaced by C.
Protein change: p.Asp1053Ala; replaces aspartic acid 1053 with alanine.
Molecular consequence: missense variant.
Genome position (GRCh38, 1-based): chr18:3,116,476, T>G on the plus strand (A>C on the coding strand, the complement: MYOM1 is on the minus strand). VCF-style: chr18-3116476-T-G. GRCh37 (hg19) VCF-style: chr18-3116474-T-G.
Other names: c.3158A>C (NM_003803.3); c.2870A>C, p.Asp957Ala (NM_019856.2); short protein forms D1053A, D957A.
Identifiers: ClinVar variation 1360901 (VCV001360901.10), dbSNP rs200545815, ClinGen allele CA8874391.

ClinVar aggregate classification (germline): Uncertain significance. Review status: criteria provided, multiple submitters, no conflicts (2 of 4 stars). 2 submissions from 2 submitters: Uncertain significance (2). Last evaluated 2025-12-19.

Conditions:
Hypertrophic cardiomyopathy. Also called: HYPERTROPHIC MYOCARDIOPATHY. Identifiers: Orphanet 217569, MedGen C0007194, MeSH D002312, MONDO:0005045, HP:0001639.

gnomAD v4.1: 30 of 1,607,982 alleles (0.0019%); highest among the groups gnomAD compares: Non-Finnish European, 0.0025%; no homozygotes.

Submissions (2):

Ambry Genetics
Classification: Uncertain significance. Last evaluated: 2025-12-19. Review status: criteria provided, single submitter. Criteria: Ambry Variant Classification Scheme 2023. Collection method: clinical testing. Allele origin: germline.
Comment: The p.D1053A variant (also known as c.3158A>C), located in coding exon 20 of the MYOM1 gene, results from an A to C substitution at nucleotide position 3158. The aspartic acid at codon 1053 is replaced by alanine, an amino acid with dissimilar properties. This amino acid position is conserved. In addition, this alteration is predicted to be tolerated by in silico analysis. Since supporting evidence is limited at this time, the clinical significance of this alteration remains unclear.

Labcorp Genetics (formerly Invitae), Labcorp
Classification: Uncertain significance for Hypertrophic cardiomyopathy. Last evaluated: 2021-04-12. Review status: criteria provided, single submitter. Criteria: Invitae Variant Classification Sherloc (09022015). Collection method: clinical testing. Allele origin: germline.
Comment: In summary, the available evidence is currently insufficient to determine the role of this variant in disease. Therefore, it has been classified as a Variant of Uncertain Significance. Algorithms developed to predict the effect of missense changes on protein structure and function (SIFT, PolyPhen-2, Align-GVGD) all suggest that this variant is likely to be tolerated, but these predictions have not been confirmed by published functional studies and their clinical significance is uncertain. This variant has not been reported in the literature in individuals with MYOM1-related conditions. This variant is present in population databases (rs200545815, ExAC 0.005%). This sequence change replaces aspartic acid with alanine at codon 1053 of the MYOM1 protein (p.Asp1053Ala). The aspartic acid residue is weakly conserved and there is a moderate physicochemical difference between aspartic acid and alanine.